The following is an entry in ClinVar:

NM_015681.6(B9D1):c.-145A>C

Gene: B9D1 (B9 domain containing 1; minus strand). Cytogenetic location: 17p11.2.
Variant type: single nucleotide variant.
Coding change: c.-145A>C on transcript NM_015681.6 (MANE Select); 145 bases upstream of the start codon, A replaced by C.
Molecular consequence: 5 prime UTR variant. On other transcripts: intron variant (1).
Genome position (GRCh38, 1-based): chr17:19,362,714, T>G on the plus strand (A>C on the coding strand, the complement: B9D1 is on the minus strand). VCF-style: chr17-19362714-T-G. GRCh37 (hg19) VCF-style: chr17-19266027-T-G.
Other names: NM_001243473.2:c.8A>C; c.-145A>C (NM_001321214.2, NM_001321215.3, NM_001321216.2 and 4 more transcripts); c.-297-2326A>C (NM_001368769.2).
Identifiers: ClinVar variation 4983463 (VCV004983463.1).
Genomic context (GRCh38, chr17:19,362,714, plus strand): 5'-GTAGCGCGCAGGACACGTTTCTTGGCAGCGACACCTTCGCGAAGGCCACGCGAGTGCGCG[T>G]GTGGCATGCGCAGGCGCAGTGAACGGGCGCCGTTATAAGGGGGCGGGGCACAAGGGGCGG-3'

ClinVar aggregate classification (germline): Uncertain significance (1 of 4 stars; one submission).

Conditions:
B9D1-related disorder. Also called: B9D1-related condition; B9D1-related disorders.

gnomAD v4.1: 1 of 1,512,048 alleles (0.000066%); highest among the groups gnomAD compares: Admixed American, 0.002%; no homozygotes.

Submission:

PreventionGenetics, part of Exact Sciences
Classification: Uncertain significance for B9D1-related condition. Last evaluated: 2026-03-03. Review status: criteria provided, single submitter. Criteria: ACMG Guidelines, 2015. Collection method: clinical testing. Allele origin: germline.
Comment: The B9D1 c.8A>C variant is predicted to result in the amino acid substitution p.His3Pro. To our knowledge, this variant has not been reported in the literature or in a large population database (gnomAD), indicating this variant is rare. At this time, the clinical significance of this variant is uncertain due to the absence of conclusive functional and genetic evidence.